The following is an entry in ClinVar:

ClinVar aggregate classification (germline): Likely benign. Review status: criteria provided, multiple submitters, no conflicts (2 of 4 stars). 2 submissions from 2 submitters: Likely benign (2). Last evaluated 2025-06-03.

Conditions:
Myopathy, proximal, and ophthalmoplegia (CMYO6). Also called: INCLUSION BODY MYOPATHY 3, AUTOSOMAL DOMINANT; CONGENITAL MYOPATHY 6 WITH OPHTHALMOPLEGIA; MYOPATHY WITH CONGENITAL JOINT CONTRACTURES, OPHTHALMOPLEGIA, AND RIMMED VACUOLES. Identifiers: Orphanet 363677, Orphanet 79091, MedGen C1854106, MONDO:0011577, OMIM 605637.

Allele frequency attached by ClinVar (database versions not stated): gnomAD 0.00001; gnomAD exomes 0.00001 and 0.00008; ExAC 0.00007.
gnomAD v4.1: 20 of 1,613,584 alleles (0.0012%); highest among the groups gnomAD compares: Admixed American, 0.033%; no homozygotes.

Submissions (2):

Labcorp Genetics (formerly Invitae), Labcorp
Classification: Likely benign for Myopathy, proximal, and ophthalmoplegia. Last evaluated: 2025-06-03. Review status: criteria provided, single submitter. Criteria: Invitae Variant Classification Sherloc (09022015). Collection method: clinical testing. Allele origin: germline.

Women's Health and Genetics/Laboratory Corporation of America, LabCorp
Classification: Likely benign. Last evaluated: 2024-01-12. Review status: criteria provided, single submitter. Criteria: LabCorp Variant Classification Summary - May 2015. Collection method: clinical testing. Allele origin: germline.
Comment: Variant summary: MYH2 c.3263+10A>T alters a non-conserved nucleotide located at a position not widely known to affect splicing. Consensus agreement among computation tools predict no significant impact on normal splicing. However, these predictions have yet to be confirmed by functional studies. The variant allele was found at a frequency of 7.6e-05 in 250910 control chromosomes, exclusively within the Latino subpopulation in the gnomAD database at a frequency of 0.00055. To our knowledge, no occurrence of c.3263+10A>T in individuals affected with Proximal Myopathy and Ophthalmoplegia and no experimental evidence demonstrating its impact on protein function have been reported. ClinVar contains an entry for this variant (Variation ID: 465933). Based on the evidence outlined above, the variant was classified as likely benign.

NM_017534.6(MYH2):c.3263+10A>T

Genes: MYHAS (myosin heavy chain gene cluster antisense RNA; plus strand), MYH2 (myosin heavy chain 2; minus strand). Cytogenetic location: 17p13.1.
Variant type: single nucleotide variant.
Coding change: c.3263+10A>T on transcript NM_017534.6 (MANE Select); 10 bases into the intron after coding-DNA position 3263, A replaced by T.
Molecular consequence: intron variant.
Genome position (GRCh38, 1-based): chr17:10,529,326, T>A on the plus strand (A>T on the coding strand, the complement: MYH2 is on the minus strand). VCF-style: chr17-10529326-T-A. GRCh37 (hg19) VCF-style: chr17-10432643-T-A.
Other names: c.3263+10A>T (NM_001100112.2).
Identifiers: ClinVar variation 465933 (VCV000465933.11), dbSNP rs771160529, ClinGen allele CA8390973.